The following is an entry in ClinVar:

NM_020911.2(PLXNA4):c.2739-8C>T

Gene: PLXNA4 (plexin A4; minus strand). Cytogenetic location: 7q32.3.
Variant type: single nucleotide variant.
Coding change: c.2739-8C>T on transcript NM_020911.2 (MANE Select); 8 bases into the intron before coding-DNA position 2739, C replaced by T.
Molecular consequence: intron variant.
Genome position (GRCh38, 1-based): chr7:132,194,187, G>A on the plus strand (C>T on the coding strand, the complement: PLXNA4 is on the minus strand). VCF-style: chr7-132194187-G-A. GRCh37 (hg19) VCF-style: chr7-131878946-G-A.
Other names: c.2739-8C>T (NM_001393897.1).
Identifiers: ClinVar variation 3036777 (VCV003036777.2), dbSNP rs370822882, ClinGen allele CA166931900.

ClinVar aggregate classification (germline): Likely benign (0 of 4 stars; one submission).

Conditions:
PLXNA4-related disorder. Also called: PLXNA4-related condition.

Allele frequency attached by ClinVar (database versions not stated): gnomAD 0.00001; gnomAD exomes 0.00001; TOPMed 0.00002; ESP Exome Variant Server 0.00008.
gnomAD v4.1: 5 of 1,609,936 alleles (0.00031%); highest among the groups gnomAD compares: Non-Finnish European, 0.00042%; no homozygotes.

Submission:

PreventionGenetics, part of Exact Sciences
Classification: Likely benign for PLXNA4-related condition. Last evaluated: 2023-11-29. Review status: no assertion criteria provided. Collection method: clinical testing. Allele origin: germline.
Comment: This variant is classified as likely benign based on ACMG/AMP sequence variant interpretation guidelines (Richards et al. 2015 PMID: 25741868, with internal and published modifications).